The following is an entry in ClinVar:

NM_198282.4(STING1):c.50G>A (p.Gly17Glu)

Gene: STING1 (stimulator of interferon response cGAMP interactor 1; minus strand). Cytogenetic location: 5q31.2.
Variant type: single nucleotide variant.
Coding change: c.50G>A on transcript NM_198282.4 (MANE Select); coding-DNA position 50, G replaced by A.
Protein change: p.Gly17Glu; replaces glycine 17 with glutamic acid.
Molecular consequence: missense variant. On other transcripts: intron variant (1).
Genome position (GRCh38, 1-based): chr5:139,481,655, C>T on the plus strand (G>A on the coding strand, the complement: STING1 is on the minus strand). VCF-style: chr5-139481655-C-T. GRCh37 (hg19) VCF-style: chr5-138861240-C-T.
Other names: c.50G>A, p.Gly17Glu (NM_001301738.2); c.-130-313G>A (NM_001367258.1); short protein forms G17E.
Identifiers: ClinVar variation 3623997 (VCV003623997.2).

ClinVar aggregate classification (germline): Uncertain significance (1 of 4 stars; one submission).

Conditions:
STING-associated vasculopathy with onset in infancy. Also called: Sting-associated vasculopathy, infantile-onset. Identifiers: Orphanet 425120, MedGen C4014722, MONDO:0014405, OMIM 615934.

gnomAD v4.1: 16 of 1,611,146 alleles (0.00099%); highest among the groups gnomAD compares: Non-Finnish European, 0.0014%; no homozygotes.

Submission:

Labcorp Genetics (formerly Invitae), Labcorp
Classification: Uncertain significance for STING-associated vasculopathy with onset in infancy. Last evaluated: 2024-12-20. Review status: criteria provided, single submitter. Criteria: Invitae Variant Classification Sherloc (09022015). Collection method: clinical testing. Allele origin: germline.
Comment: This sequence change replaces glycine, which is neutral and non-polar, with glutamic acid, which is acidic and polar, at codon 17 of the TMEM173 protein (p.Gly17Glu). This variant is present in population databases (rs774780171, gnomAD 0.002%). This variant has not been reported in the literature in individuals affected with TMEM173-related conditions. Invitae Evidence Modeling of protein sequence and biophysical properties (such as structural, functional, and spatial information, amino acid conservation, physicochemical variation, residue mobility, and thermodynamic stability) indicates that this missense variant is not expected to disrupt TMEM173 protein function with a negative predictive value of 80%. In summary, the available evidence is currently insufficient to determine the role of this variant in disease. Therefore, it has been classified as a Variant of Uncertain Significance.